The following is an entry in ClinVar:

NM_002474.3(MYH11):c.3359T>C (p.Ile1120Thr)

Gene: MYH11 (myosin heavy chain 11; minus strand). Cytogenetic location: 16p13.11.
Variant type: single nucleotide variant.
Coding change: c.3359T>C on transcript NM_002474.3 (MANE Select); coding-DNA position 3359, T replaced by C.
Protein change: p.Ile1120Thr; replaces isoleucine 1120 with threonine.
Molecular consequence: missense variant.
Genome position (GRCh38, 1-based): chr16:15,735,513, A>G on the plus strand (T>C on the coding strand, the complement: MYH11 is on the minus strand). VCF-style: chr16-15735513-A-G. GRCh37 (hg19) VCF-style: chr16-15829370-A-G.
Other names: c.3380T>C, p.Ile1127Thr (NM_001040113.2, NM_001040114.2); c.3359T>C, p.Ile1120Thr (NM_022844.3); short protein forms I1120T, I1127T.
Identifiers: ClinVar variation 3072194 (VCV003072194.1), dbSNP rs2506177426, ClinGen allele CA394862042.

ClinVar aggregate classification (germline): Uncertain significance (1 of 4 stars; one submission).

Conditions:
Familial thoracic aortic aneurysm and aortic dissection (TAAD). Also called: Thoracic aortic aneurysms and dissections. Identifiers: Orphanet 91387, MedGen C4707243, MONDO:0019625.

Submission:

All of Us Research Program, National Institutes of Health
Classification: Uncertain significance for Familial thoracic aortic aneurysm and aortic dissection. Last evaluated: 2023-06-26. Review status: criteria provided, single submitter. Criteria: ACMG Guidelines, 2015. Collection method: clinical testing. Allele origin: germline. Inheritance: Autosomal dominant inheritance. Observed: 1 variant allele, 1 heterozygote.
Comment: This missense variant replaces isoleucine with threonine at codon 1127 of the MYH11 protein. Computational prediction is inconclusive regarding the impact of this variant on protein structure and function (internally defined REVEL score threshold 0.5 < inconclusive < 0.7, PMID: 27666373). To our knowledge, functional studies have not been reported for this variant. This variant has not been reported in individuals affected with MYH11-related disorders in the literature. This variant has not been identified in the general population by the Genome Aggregation Database (gnomAD). The available evidence is insufficient to determine the role of this variant in disease conclusively. Therefore, this variant is classified as a Variant of Uncertain Significance.

This study involves interpretation of variants in research participants for the purpose of population health screening. Participant phenotype was not available at the time of variant classification. Additional details can be found in publication PMID: 35346344, PMCID: PMC8962531